The following is an entry in ClinVar:

ClinVar aggregate classification (germline): Conflicting classifications of pathogenicity. Review status: criteria provided, conflicting classifications (1 of 4 stars). 3 submissions from 3 submitters: Uncertain significance (2); Likely benign (1). Last evaluated 2025-12-24.

Conditions:
Hereditary cancer-predisposing syndrome. Also called: Tumor predisposition; Hereditary Cancer Syndrome; Neoplastic Syndromes, Hereditary; Hereditary neoplastic syndrome. Identifiers: Orphanet 140162, MedGen C0027672, MeSH D009386, MONDO:0015356.
Renal cell carcinoma. Identifiers: Orphanet 217071, MedGen C0007134, MeSH D002292, MONDO:0005086, HP:0005584.

Allele frequency attached by ClinVar (database versions not stated): TOPMed below 0.00001.

Submissions (3):

Labcorp Genetics (formerly Invitae), Labcorp
Classification: Uncertain significance for Renal cell carcinoma. Last evaluated: 2025-12-24. Review status: criteria provided, single submitter. Criteria: Invitae Variant Classification Sherloc (09022015). Collection method: clinical testing. Allele origin: germline.
Comment: This sequence change replaces aspartic acid, which is acidic and polar, with tyrosine, which is neutral and polar, at codon 882 of the MET protein (p.Asp882Tyr). This variant is not present in population databases (gnomAD no frequency). This variant has not been reported in the literature in individuals affected with MET-related conditions. ClinVar contains an entry for this variant (Variation ID: 821625). An algorithm developed to predict the effect of missense changes on protein structure and function (PolyPhen-2) suggests that this variant is likely to be tolerated. In summary, the available evidence is currently insufficient to determine the role of this variant in disease. Therefore, it has been classified as a Variant of Uncertain Significance.

Quest Diagnostics Nichols Institute San Juan Capistrano
Classification: Uncertain significance. Last evaluated: 2025-07-23. Review status: criteria provided, single submitter. Criteria: Quest Diagnostics criteria. Collection method: clinical testing. Allele origin: unknown.

Ambry Genetics
Classification: Likely benign for Hereditary cancer-predisposing syndrome. Last evaluated: 2024-03-13. Review status: criteria provided, single submitter. Criteria: Ambry Variant Classification Scheme 2023. Collection method: clinical testing. Allele origin: germline.

NM_000245.4(MET):c.2590G>T (p.Asp864Tyr)

Gene: MET (MET proto-oncogene, receptor tyrosine kinase; plus strand). Cytogenetic location: 7q31.2.
Variant type: single nucleotide variant.
Coding change: c.2590G>T on transcript NM_000245.4 (MANE Select); coding-DNA position 2590, G replaced by T.
Protein change: p.Asp864Tyr; replaces aspartic acid 864 with tyrosine.
Molecular consequence: missense variant.
Genome position (GRCh38, 1-based): chr7:116,769,651, G>T. VCF-style: chr7-116769651-G-T. GRCh37 (hg19) VCF-style: chr7-116409705-G-T.
Other names: c.2644G>T, p.Asp882Tyr (NM_001127500.3); c.2590G>T, p.Asp864Tyr (NM_001324401.3); c.1300G>T, p.Asp434Tyr (NM_001324402.2); c.2644G>T (NM_001127500.2); short protein forms D434Y, D864Y, D882Y.
Identifiers: ClinVar variation 821625 (VCV000821625.15), dbSNP rs1584953171, ClinGen allele CA368985287.
Genomic context (GRCh38, chr7:116,769,651, plus strand): 5'-ATTCCTGCAGAACTGTGAAGTGTTAACAACCTTTTTTTTTTTTTTTCCTTTCAGGGAAAT[G>T]ATATTGACCCTGAAGCAGTTAAAGGTGAAGTGTTAAAAGTTGGAAATAAGAGCTGTGAGA-3'
Protein context (NP_000236.2, residues 854-874): NENVLEIKGN[Asp864Tyr]IDPEAVKGEV